The following is an entry in ClinVar:

ClinVar aggregate classification (germline): Uncertain significance (1 of 4 stars; one submission).

Conditions:
Aortic aneurysm, familial thoracic 7 (AAT7). Also called: AORTIC DISSECTION, FAMILIAL, WITH OR WITHOUT AORTIC ANEURYSM. Identifiers: MedGen C3151077, MONDO:0013418, OMIM 613780.

Submission:

Labcorp Genetics (formerly Invitae), Labcorp
Classification: Uncertain significance for Aortic aneurysm, familial thoracic 7. Last evaluated: 2024-03-01. Review status: criteria provided, single submitter. Criteria: Invitae Variant Classification Sherloc (09022015). Collection method: clinical testing. Allele origin: germline.
Comment: This variant, c.5378_5386dup, results in the insertion of 3 amino acid(s) of the MYLK protein (p.Ser1793_Ala1795dup), but otherwise preserves the integrity of the reading frame. This variant is not present in population databases (gnomAD no frequency). This variant has not been reported in the literature in individuals affected with MYLK-related conditions. Experimental studies and prediction algorithms are not available or were not evaluated, and the functional significance of this variant is currently unknown. In summary, the available evidence is currently insufficient to determine the role of this variant in disease. Therefore, it has been classified as a Variant of Uncertain Significance.

NM_053025.4(MYLK):c.5378_5386dup (p.Ala1795_Phe1796insSerGlnAla)

Genes: MYLK-AS1 (MYLK antisense RNA 1; plus strand), MYLK (myosin light chain kinase; minus strand). Cytogenetic location: 3q21.1.
Variant type: Duplication.
Coding change: c.5378_5386dup on transcript NM_053025.4 (MANE Select); coding-DNA positions 5378 to 5386, 9 bases duplicated (CCCAAGCTT; older notation c.5378_5386dupCCCAAGCTT).
Protein change: p.Ala1795_Phe1796insSerGlnAla.
Genome position (GRCh38, 1-based): chr3:123,618,753-123,618,761, AAGCTTGGG duplicated on the plus strand (CCCAAGCTT on the coding strand, the reverse complement: MYLK is on the minus strand); duplicating any 9 consecutive bases within chr3:123,618,753-123,618,762 gives the same sequence; the c. name uses the placement nearest the transcript's 3' end. VCF-style (leftmost placement, unchanged base first): chr3-123618752-A-AAAGCTTGGG. GRCh37 (hg19) VCF-style: chr3-123337599-A-AAAGCTTGGG.
Other names: c.4850_4858dup, p.Ala1619_Phe1620insSerGlnAla (NM_001321309.2); c.5171_5179dup, p.Ala1726_Phe1727insSerGlnAla (NM_053026.4); c.5225_5233dup, p.Ala1744_Phe1745insSerGlnAla (NM_053027.4); c.5018_5026dup, p.Ala1675_Phe1676insSerGlnAla (NM_053028.4); c.95_103dup, p.Ala34_Phe35insSerGlnAla (NM_053031.4); c.98_106dup, p.Ala35_Phe36insSerGlnAla (NM_053032.4).
Identifiers: ClinVar variation 3704958 (VCV003704958.2).
Genomic context (GRCh38, chr3:123,618,752, plus strand): 5'-CGAATGGTCTTAGAGAAATAGGGTTTTACATGAGGCTTTTCCTCAGCAACAGCCTCAAGG[A>AAAGCTTGGG]AAGCTTGGGACACATCTTCTAGAAGACAGAGAAGAAGACCAGGTCATTTCTTCACTCGTT-3'